The following is an entry in ClinVar:

ClinVar aggregate classification (germline): Uncertain significance (1 of 4 stars; one submission).

Submission:

GeneDx
Classification: Uncertain significance. Last evaluated: 2026-04-02. Review status: criteria provided, single submitter. Criteria: GeneDx Variant Classification Process June 2021. Collection method: clinical testing. Allele origin: germline.
Comment: Not observed at significant frequency in large population cohorts (gnomAD); In silico analysis supports that this missense variant has a deleterious effect on protein structure/function; Has not been previously published as pathogenic or benign to our knowledge

NM_000441.2(SLC26A4):c.448T>C (p.Ser150Pro)

Gene: SLC26A4 (solute carrier family 26 member 4; plus strand). Cytogenetic location: 7q22.3.
Variant type: single nucleotide variant.
Coding change: c.448T>C on transcript NM_000441.2 (MANE Select); coding-DNA position 448, T replaced by C.
Protein change: p.Ser150Pro; replaces serine 150 with proline.
Molecular consequence: missense variant.
Genome position (GRCh38, 1-based): chr7:107,674,196, T>C. VCF-style: chr7-107674196-T-C. GRCh37 (hg19) VCF-style: chr7-107314641-T-C.
Other names: short protein forms S150P.
Identifiers: ClinVar variation 5017841 (VCV005017841.1).